The following is an entry in ClinVar:

NM_015352.2(POFUT1):c.770C>G (p.Ala257Gly)

Gene: POFUT1 (protein O-fucosyltransferase 1; plus strand). Cytogenetic location: 20q11.21.
Variant type: single nucleotide variant.
Coding change: c.770C>G on transcript NM_015352.2 (MANE Select); coding-DNA position 770, C replaced by G.
Protein change: p.Ala257Gly; replaces alanine 257 with glycine.
Molecular consequence: missense variant.
Genome position (GRCh38, 1-based): chr20:32,230,853, C>G. VCF-style: chr20-32230853-C-G. GRCh37 (hg19) VCF-style: chr20-30818656-C-G.
Other names: short protein forms A257G.
Identifiers: ClinVar variation 3623250 (VCV003623250.2).
Genomic context (GRCh38, chr20:32,230,853, plus strand): 5'-TTAACCCTGTTCCCCGCTCTCCGTAGAAGAACGCCTGTGCCATGCTGAAGGACGGGACTG[C>G]AGGCTCGCACTTCATGGCCTCTCCGCAGTGTGTGGGCTACAGCCGCAGCACAGCGGCCCC-3'
Protein context (NP_056167.1, residues 247-267): NACAMLKDGT[Ala257Gly]GSHFMASPQC

ClinVar aggregate classification (germline): Uncertain significance (1 of 4 stars; one submission).

Conditions:
Dowling-Degos disease 2 (DDD2). Identifiers: Orphanet 79145, MedGen C3809147, MONDO:0014130, OMIM 615327.

gnomAD v4.1: 3 of 1,614,080 alleles (0.00019%); highest among the groups gnomAD compares: Non-Finnish European, 0.00025%; no homozygotes.

Submission:

Labcorp Genetics (formerly Invitae), Labcorp
Classification: Uncertain significance for Dowling-Degos disease 2. Last evaluated: 2025-01-14. Review status: criteria provided, single submitter. Criteria: Invitae Variant Classification Sherloc (09022015). Collection method: clinical testing. Allele origin: germline.
Comment: This sequence change replaces alanine, which is neutral and non-polar, with glycine, which is neutral and non-polar, at codon 257 of the POFUT1 protein (p.Ala257Gly). This variant is not present in population databases (gnomAD no frequency). This variant has not been reported in the literature in individuals affected with POFUT1-related conditions. An algorithm developed to predict the effect of missense changes on protein structure and function (PolyPhen-2) suggests that this variant is likely to be tolerated. In summary, the available evidence is currently insufficient to determine the role of this variant in disease. Therefore, it has been classified as a Variant of Uncertain Significance.